The following is an entry in ClinVar:

ClinVar aggregate classification (germline): Uncertain significance (1 of 4 stars; one submission).

Conditions:
Hereditary breast ovarian cancer syndrome. Also called: Breast and ovarian cancer; BRCA1- and BRCA2-Associated Hereditary Breast and Ovarian Cancer; Hereditary breast and ovarian cancer; Hereditary breast and/or ovarian cancer syndrome; Hereditary breast and ovarian cancer syndrome; Hereditary breast and ovarian cancer syndrome (HBOC). Identifiers: Orphanet 145, MedGen C0677776, MeSH D061325, MONDO:0003582. Disease mechanism: loss of function.

gnomAD v4.1: 1 of 1,558,380 alleles (0.000064%); highest among the groups gnomAD compares: Admixed American, 0.0017%; no homozygotes.

Submission:

Labcorp Genetics (formerly Invitae), Labcorp
Classification: Uncertain significance for Hereditary breast ovarian cancer syndrome. Last evaluated: 2021-07-28. Review status: criteria provided, single submitter. Criteria: Invitae Variant Classification Sherloc (09022015). Collection method: clinical testing. Allele origin: germline.
Comment: This variant has not been reported in the literature in individuals affected with BRCA2-related conditions. In summary, the available evidence is currently insufficient to determine the role of this variant in disease. Therefore, it has been classified as a Variant of Uncertain Significance. Studies have shown that this variant results in the activation of a cryptic splice site in exon 12 (PMID: 32046981). Algorithms developed to predict the effect of missense changes on protein structure and function are either unavailable or do not agree on the potential impact of this missense change (SIFT: "Tolerated"; PolyPhen-2: "Probably Damaging"; Align-GVGD: "Class C0"). This variant is not present in population databases (ExAC no frequency). This sequence change replaces aspartic acid with glycine at codon 2312 of the BRCA2 protein (p.Asp2312Gly). The aspartic acid residue is moderately conserved and there is a moderate physicochemical difference between aspartic acid and glycine. RNA analysis indicates that this variant induces altered splicing and likely results in the loss of 1 amino acid residue(s), but is expected to preserve the integrity of the reading-frame.

Literature cited by the submitters: PubMed 32046981.

NM_000059.4(BRCA2):c.6935A>G (p.Asp2312Gly)

Gene: BRCA2 (BRCA2 DNA repair associated; plus strand). Cytogenetic location: 13q13.1.
Variant type: single nucleotide variant.
Coding change: c.6935A>G on transcript NM_000059.4 (MANE Select); coding-DNA position 6935, A replaced by G.
Protein change: p.Asp2312Gly; replaces aspartic acid 2312 with glycine.
Molecular consequence: missense variant.
Genome position (GRCh38, 1-based): chr13:32,344,651, A>G. VCF-style: chr13-32344651-A-G. GRCh37 (hg19) VCF-style: chr13-32918788-A-G.
Other names: short protein forms D2312G.
Identifiers: ClinVar variation 652728 (VCV000652728.9), dbSNP rs80358916, ClinGen allele CA387792954.